The following is an entry in ClinVar:

NM_032638.5(GATA2):c.257G>A (p.Arg86His)

Gene: GATA2 (GATA binding protein 2; minus strand). Cytogenetic location: 3q21.3.
Variant type: single nucleotide variant.
Coding change: c.257G>A on transcript NM_032638.5 (MANE Select); coding-DNA position 257, G replaced by A.
Protein change: p.Arg86His; replaces arginine 86 with histidine.
Molecular consequence: missense variant.
Genome position (GRCh38, 1-based): chr3:128,486,341, C>T on the plus strand (G>A on the coding strand, the complement: GATA2 is on the minus strand). VCF-style: chr3-128486341-C-T. GRCh37 (hg19) VCF-style: chr3-128205184-C-T.
Other names: c.257G>A, p.Arg86His (NM_001145661.2, NM_001145662.1); short protein forms R86H.
Identifiers: ClinVar variation 966381 (VCV000966381.11), dbSNP rs2068699579, ClinGen allele CA354407806.

ClinVar aggregate classification (germline): Uncertain significance. Review status: criteria provided, multiple submitters, no conflicts (2 of 4 stars). 3 submissions from 3 submitters: Uncertain significance (3). Last evaluated 2025-05-08.

Conditions:
Inborn genetic diseases. Identifiers: MedGen C0950123, MeSH D030342.
Deafness-lymphedema-leukemia syndrome. Also called: Emberger syndrome; Lymphedema, primary, with myelodysplasia. Identifiers: Orphanet 3226, MedGen C3279664, MONDO:0013540, OMIM 614038.
Monocytopenia with susceptibility to infections. Also called: MONOCYTOPENIA AND MYCOBACTERIAL INFECTION SYNDROME; MONOCYTOPENIA WITH SUSCEPTIBILITY TO MYCOBACTERIAL, FUNGAL, AND PAPILLOMAVIRUS INFECTIONS AND MYELODYSPLASIA; COMBINED IMMUNODEFICIENCY WITH SUSCEPTIBILITY TO MYCOBACTERIAL, VIRAL, AND FUNGAL INFECTIONS; IMMUNODEFICIENCY 21; GATA2 DEFICIENCY; Dendritic cell, monocyte, B lymphocyte, and natural killer lymphocyte deficiency. Identifiers: Orphanet 228423, MedGen C3280030, MONDO:0013607, OMIM 614172.

gnomAD v4.1: 1 of 1,602,000 alleles (0.000062%); no homozygotes.

Submissions (3):

Ambry Genetics
Classification: Uncertain significance for Inborn genetic diseases. Last evaluated: 2025-05-08. Review status: criteria provided, single submitter. Criteria: Ambry Variant Classification Scheme 2023. Collection method: clinical testing. Allele origin: germline.
Comment: The p.R86H variant (also known as c.257G>A), located in coding exon 2 of the GATA2 gene, results from a G to A substitution at nucleotide position 257. The arginine at codon 86 is replaced by histidine, an amino acid with highly similar properties. This amino acid position is highly conserved in available vertebrate species. In addition, this alteration is predicted to be deleterious by in silico analysis. Based on the available evidence, the clinical significance of this variant remains unclear.

GeneDx
Classification: Uncertain significance. Last evaluated: 2024-07-30. Review status: criteria provided, single submitter. Criteria: GeneDx Variant Classification Process June 2021. Collection method: clinical testing. Allele origin: germline. Affected: yes.
Comment: Not observed at significant frequency in large population cohorts (gnomAD); In silico analysis supports that this missense variant has a deleterious effect on protein structure/function; Has not been previously published as pathogenic or benign to our knowledge

Labcorp Genetics (formerly Invitae), Labcorp
Classification: Uncertain significance for Monocytopenia with susceptibility to infections; Deafness-lymphedema-leukemia syndrome. Last evaluated: 2019-10-29. Review status: criteria provided, single submitter. Criteria: Invitae Variant Classification Sherloc (09022015). Collection method: clinical testing. Allele origin: germline.
Comment: This sequence change replaces arginine with histidine at codon 86 of the GATA2 protein (p.Arg86His). The arginine residue is moderately conserved and there is a small physicochemical difference between arginine and histidine. This variant is not present in population databases (ExAC no frequency). This variant has not been reported in the literature in individuals with GATA2-related conditions. Algorithms developed to predict the effect of missense changes on protein structure and function are either unavailable or do not agree on the potential impact of this missense change (SIFT: "Deleterious"; PolyPhen-2: "Probably Damaging"; Align-GVGD: "Class C0"). In summary, the available evidence is currently insufficient to determine the role of this variant in disease. Therefore, it has been classified as a Variant of Uncertain Significance.